The following is an entry in ClinVar:

ClinVar aggregate classification (germline): Uncertain significance (1 of 4 stars; one submission).

Submission:

Labcorp Genetics (formerly Invitae), Labcorp
Classification: Uncertain significance. Last evaluated: 2023-08-01. Review status: criteria provided, single submitter. Criteria: Invitae Variant Classification Sherloc (09022015). Collection method: clinical testing. Allele origin: germline.
Comment: In summary, the available evidence is currently insufficient to determine the role of this variant in disease. Therefore, it has been classified as a Variant of Uncertain Significance. Advanced modeling of protein sequence and biophysical properties (such as structural, functional, and spatial information, amino acid conservation, physicochemical variation, residue mobility, and thermodynamic stability) has been performed at Invitae for this missense variant, however the output from this modeling did not meet the statistical confidence thresholds required to predict the impact of this variant on KMT2A protein function. This variant has not been reported in the literature in individuals affected with KMT2A-related conditions. This variant is not present in population databases (gnomAD no frequency). This sequence change replaces arginine, which is basic and polar, with tryptophan, which is neutral and slightly polar, at codon 426 of the KMT2A protein (p.Arg426Trp).

NM_001197104.2(KMT2A):c.1276C>T (p.Arg426Trp)

Gene: KMT2A (lysine methyltransferase 2A; plus strand). Cytogenetic location: 11q23.3.
Variant type: single nucleotide variant.
Coding change: c.1276C>T on transcript NM_001197104.2 (MANE Select); coding-DNA position 1276, C replaced by T.
Protein change: p.Arg426Trp; replaces arginine 426 with tryptophan.
Molecular consequence: missense variant.
Genome position (GRCh38, 1-based): chr11:118,472,435, C>T. VCF-style: chr11-118472435-C-T. GRCh37 (hg19) VCF-style: chr11-118343150-C-T.
Other names: c.1375C>T, p.Arg459Trp (NM_001412597.1); c.1276C>T, p.Arg426Trp (NM_005933.4); short protein forms R426W, R459W.
Identifiers: ClinVar variation 2745201 (VCV002745201.3), dbSNP rs2496797681, ClinGen allele CA382809758.